The following is an entry in ClinVar:

ClinVar aggregate classification (germline): Uncertain significance (1 of 4 stars; one submission).

Submission:

GeneDx
Classification: Uncertain significance. Last evaluated: 2026-03-16. Review status: criteria provided, single submitter. Criteria: GeneDx Variant Classification Process June 2021. Collection method: clinical testing. Allele origin: germline.
Comment: Not observed at significant frequency in large population cohorts (gnomAD); In silico analysis supports that this missense variant has a deleterious effect on protein structure/function; Has not been previously published as pathogenic or benign to our knowledge

NM_138576.4(BCL11B):c.127G>T (p.Gly43Cys)

Gene: BCL11B (BCL11 transcription factor B; minus strand). Cytogenetic location: 14q32.2.
Variant type: single nucleotide variant.
Coding change: c.127G>T on transcript NM_138576.4 (MANE Select); coding-DNA position 127, G replaced by T.
Protein change: p.Gly43Cys; replaces glycine 43 with cysteine.
Molecular consequence: missense variant.
Genome position (GRCh38, 1-based): chr14:99,257,771, C>A on the plus strand (G>T on the coding strand, the complement: BCL11B is on the minus strand). VCF-style: chr14-99257771-C-A. GRCh37 (hg19) VCF-style: chr14-99724108-C-A.
Other names: c.124G>T, p.Gly42Cys (NM_001282237.2, NM_001282238.2); c.127G>T, p.Gly43Cys (NM_022898.3); short protein forms G42C, G43C.
Identifiers: ClinVar variation 5008441 (VCV005008441.1).
Genomic context (GRCh38, chr14:99,257,771, plus strand): 5'-TTTGACACTGGCCACAGGTGAGCAGGTCAGGGTCGGGGCCACCCACCATCAGCCCCAGGC[C>A]ACTTGGCTCCTCTATCTCCAGACCCTCGTCTTCTTCGAGGATGGCGGCCTCCACATGGTC-3'
Protein context (NP_612808.1, residues 33-53): DEGLEIEEPS[Gly43Cys]LGLMVGGPDP